The following is an entry in ClinVar:

NM_021008.4(DEAF1):c.646A>G (p.Lys216Glu)

Gene: DEAF1 (DEAF1 transcription factor; minus strand). Cytogenetic location: 11p15.5.
Variant type: single nucleotide variant.
Coding change: c.646A>G on transcript NM_021008.4 (MANE Select); coding-DNA position 646, A replaced by G.
Protein change: p.Lys216Glu; replaces lysine 216 with glutamic acid.
Molecular consequence: missense variant. On other transcripts: 5 prime UTR variant (1).
Genome position (GRCh38, 1-based): chr11:687,929, T>C on the plus strand (A>G on the coding strand, the complement: DEAF1 is on the minus strand). VCF-style: chr11-687929-T-C. GRCh37 (hg19) VCF-style: chr11-687929-T-C.
Other names: c.646A>G, p.Lys216Glu (NM_001293634.2); c.-81A>G (NM_001367390.1); c.646A>G (NM_021008.2); short protein forms K216E.
Identifiers: ClinVar variation 806589 (VCV000806589.50), dbSNP rs1590017652, ClinGen allele CA378933367.

ClinVar aggregate classification (germline): Conflicting classifications of pathogenicity. Review status: criteria provided, conflicting classifications (1 of 4 stars). 7 submissions from 7 submitters: Pathogenic (2); Likely pathogenic (3); Uncertain significance (2). Last evaluated 2025-02-19.

Conditions:
Developmental disorder. Identifiers: MedGen C0008073.
Intellectual disability-epilepsy-extrapyramidal syndrome (NEDHELS). Also called: Dyskinesia, seizures, and intellectual developmental disorder. Identifiers: Orphanet 468620, MedGen C4310683, MONDO:0014952, OMIM 617171.

Submissions (7):

GeneDx
Classification: Pathogenic. Last evaluated: 2025-02-19. Review status: criteria provided, single submitter. Criteria: GeneDx Variant Classification Process June 2021. Collection method: clinical testing. Allele origin: germline. Affected: yes.
Comment: Published functional studies demonstrate a damaging effect: loss of transcriptional repression activity (PMID: 30923367); Not observed at significant frequency in large population cohorts (gnomAD); In silico analysis supports that this missense variant has a deleterious effect on protein structure/function; This variant is associated with the following publications: (PMID: 30923367, 35873028)

Genomic Medicine Center of Excellence, King Faisal Specialist Hospital and Research Centre
Classification: Likely pathogenic for Intellectual disability-epilepsy-extrapyramidal syndrome. Last evaluated: 2024-03-25. Review status: criteria provided, single submitter. Criteria: ACMG Guidelines, 2015. Collection method: clinical testing. Allele origin: germline.

Labcorp Genetics (formerly Invitae), Labcorp
Classification: Pathogenic. Last evaluated: 2023-11-12. Review status: criteria provided, single submitter. Criteria: Invitae Variant Classification Sherloc (09022015). Collection method: clinical testing. Allele origin: germline.
Comment: This sequence change replaces lysine, which is basic and polar, with glutamic acid, which is acidic and polar, at codon 216 of the DEAF1 protein (p.Lys216Glu). This variant is not present in population databases (gnomAD no frequency). This missense change has been observed in individual(s) with autosomal dominant DEAF1-related neurodevelopmental disorder (PMID: 30923367). In at least one individual the variant was observed to be de novo. ClinVar contains an entry for this variant (Variation ID: 806589). Advanced modeling of protein sequence and biophysical properties (such as structural, functional, and spatial information, amino acid conservation, physicochemical variation, residue mobility, and thermodynamic stability) performed at Invitae indicates that this missense variant is expected to disrupt DEAF1 protein function with a positive predictive value of 95%. Experimental studies have shown that this missense change affects DEAF1 function (PMID: 30923367). This variant disrupts the p.Lys216 amino acid residue in DEAF1. Other variant(s) that disrupt this residue have been determined to be pathogenic (PMID: 30923367). This suggests that this residue is clinically significant, and that variants that disrupt this residue are likely to be disease-causing. For these reasons, this variant has been classified as Pathogenic.

Department of Genetics, Rouen University Hospital, Normandy Center for Genomic and Personalized Medicine
Classification: Likely pathogenic for Developmental disorder. Last evaluated: 2022-02-07. Review status: criteria provided, single submitter. Criteria: ACMG Guidelines, 2015. Collection method: clinical testing. Allele origin: unknown. Affected: yes.

Laboratoire de Génétique Moléculaire, CHU Bordeaux
Classification: Likely pathogenic for Intellectual disability-epilepsy-extrapyramidal syndrome. Last evaluated: 2020-08-10. Review status: criteria provided, single submitter. Criteria: ACMG Guidelines, 2015. Collection method: clinical testing. Allele origin: germline. Affected: yes.

Laboratory of Molecular Genetics (Pr. Bezieau's lab), CHU de Nantes
Classification: Uncertain significance. Last evaluated: 2020-02-12. Review status: criteria provided, single submitter. Criteria: ACMG Guidelines, 2015. Collection method: clinical testing. Allele origin: germline. Affected: yes.

CeGaT Center for Human Genetics Tuebingen
Classification: Uncertain significance. Last evaluated: 2017-11-01. Review status: criteria provided, single submitter. Criteria: CeGaT Center For Human Genetics Tuebingen Variant Classification Criteria Version 2. Collection method: clinical testing. Allele origin: germline. Affected: yes. Observed: 1 variant allele.

Literature cited by the submitters: PubMed 30923367 (cited by Labcorp Genetics (formerly Invitae), Labcorp).